The following is an entry in ClinVar:

NM_004006.3(DMD):c.7576C>T (p.Gln2526Ter)

Gene: DMD (dystrophin; minus strand). Cytogenetic location: Xp21.1.
Variant type: single nucleotide variant.
Coding change: c.7576C>T on transcript NM_004006.3 (MANE Select); coding-DNA position 7576, C replaced by T.
Protein change: p.Gln2526Ter; replaces glutamine 2526 with a stop codon.
Molecular consequence: nonsense.
Genome position (GRCh38, 1-based): chrX:31,729,715, G>A on the plus strand (C>T on the coding strand, the complement: DMD is on the minus strand). VCF-style: chrX-31729715-G-A. GRCh37 (hg19) VCF-style: chrX-31747832-G-A.
Other names: c.7552C>T, p.Gln2518Ter (NM_000109.4); c.7564C>T, p.Gln2522Ter (NM_004009.3); c.7207C>T, p.Gln2403Ter (NM_004010.3); c.3553C>T, p.Gln1185Ter (NM_004011.4); c.3544C>T, p.Gln1182Ter (NM_004012.4); c.196C>T, p.Gln66Ter (NM_004013.3, NM_004020.4, NM_004021.3 and 2 more transcripts); short protein forms Q1182*, Q1185*, Q2403*, Q2518*, Q2522*, Q2526*, Q66*.
Identifiers: ClinVar variation 1322642 (VCV001322642.9), dbSNP rs2149018402, ClinGen allele CA412657659.

ClinVar aggregate classification (germline): Pathogenic (1 of 4 stars; one submission).

Conditions:
Duchenne muscular dystrophy (DMD). Also called: MUSCULAR DYSTROPHY, PSEUDOHYPERTROPHIC PROGRESSIVE, DUCHENNE TYPE; Duchenne Muscular Dystrophy (DMD). Identifiers: Orphanet 98896, MedGen C0013264, MONDO:0010679, OMIM 310200.

Submission:

Labcorp Genetics (formerly Invitae), Labcorp
Classification: Pathogenic for Duchenne muscular dystrophy. Last evaluated: 2022-08-16. Review status: criteria provided, single submitter. Criteria: Invitae Variant Classification Sherloc (09022015). Collection method: clinical testing. Allele origin: germline.
Comment: For these reasons, this variant has been classified as Pathogenic. ClinVar contains an entry for this variant (Variation ID: 1322642). This premature translational stop signal has been observed in individual(s) with Duchenne muscular dystrophy (PMID: 19937601). This variant is not present in population databases (gnomAD no frequency). This sequence change creates a premature translational stop signal (p.Gln2526*) in the DMD gene. It is expected to result in an absent or disrupted protein product. Loss-of-function variants in DMD are known to be pathogenic (PMID: 16770791, 25007885).

Literature cited by the submitters: PubMed 19937601; PubMed 16770791; PubMed 25007885.